The following is an entry in ClinVar:

NM_001008537.3(NEXMIF):c.826del (p.Cys276fs)

Gene: NEXMIF (neurite extension and migration factor; minus strand). Cytogenetic location: Xq13.3.
Variant type: Deletion.
Coding change: c.826del on transcript NM_001008537.3 (MANE Select); coding-DNA position 826, one base deleted (T; older notation c.826delT).
Protein change: p.Cys276fs; shifts the reading frame from cysteine 276.
Molecular consequence: frameshift variant.
Genome position (GRCh38, 1-based): chrX:74,743,731, A deleted on the plus strand (T on the coding strand, the reverse complement: NEXMIF is on the minus strand). VCF-style (leftmost placement, unchanged base first): chrX-74743730-CA-C. GRCh37 (hg19) VCF-style: chrX-73963565-CA-C.
Other names: short protein forms C276fs.
Identifiers: ClinVar variation 1799678 (VCV001799678.2), dbSNP rs2519916149, ClinGen allele CA2580101523.
Genomic context (GRCh38, chrX:74,743,730, plus strand): 5'-AACATGTAGTTATCCACATCTTCTTCAGAGAATAGGTTGACAGACAGCTCATTTTTGGAA[CA>C]GAGGTCAAGCAGTTCAATCTTACTTTCACTAATAAAAGTCTCGAAGTAACCCCAATCCTG-3'

ClinVar aggregate classification (germline): Pathogenic (1 of 4 stars; one submission).

Submission:

Ambry Genetics
Classification: Pathogenic. Last evaluated: 2017-10-06. Review status: criteria provided, single submitter. Criteria: Ambry Variant Classification Scheme 2023. Collection method: clinical testing. Allele origin: germline.
Comment: The c.826delT pathogenic mutation, located in coding exon 2 of the KIAA2022 gene, results from a deletion of one nucleotide at nucleotide position 826, causing a translational frameshift with a predicted alternate stop codon (p.C276Vfs*28). This alteration is expected to result in loss of function by premature protein truncation or nonsense-mediated mRNA decay. As such, this alteration is interpreted as a disease-causing mutation.